The following is an entry in ClinVar:

ClinVar aggregate classification (germline): Likely benign (1 of 4 stars; one submission).

Conditions:
PKD2-related disorder. Also called: PKD2-related condition.

gnomAD v4.1: 37 of 1,500,796 alleles (0.0025%); highest among the groups gnomAD compares: South Asian, 0.04%; no homozygotes.

Submission:

PreventionGenetics, part of Exact Sciences
Classification: Likely benign for PKD2-related condition. Last evaluated: 2026-02-13. Review status: criteria provided, single submitter. Criteria: ACMG Guidelines, 2015. Collection method: clinical testing. Allele origin: germline.
Comment: This variant is classified as likely benign based on ACMG/AMP sequence variant interpretation guidelines (Richards et al. 2015 PMID: 25741868, with internal and published modifications).

NM_000297.4(PKD2):c.237C>G (p.Leu79=)

Genes: PKD2 (polycystin 2, transient receptor potential cation channel; plus strand), LOC129992813 (ATAC-STARR-seq lymphoblastoid silent region 15559; plus strand). Cytogenetic location: 4q22.1.
Variant type: single nucleotide variant.
Coding change: c.237C>G on transcript NM_000297.4 (MANE Select); coding-DNA position 237, C replaced by G.
Protein change: p.Leu79=; no amino-acid change (leucine 79 retained).
Molecular consequence: synonymous variant. On other transcripts: non-coding transcript variant (1).
Genome position (GRCh38, 1-based): chr4:88,007,970, C>G. VCF-style: chr4-88007970-C-G. GRCh37 (hg19) VCF-style: chr4-88929122-C-G.
Other names: c.237C>G, p.Leu79= (NM_001440544.1).
Identifiers: ClinVar variation 4990948 (VCV004990948.1).